The following is an entry in ClinVar:

ClinVar aggregate classification (germline): Uncertain significance (1 of 4 stars; one submission).

Submission:

GeneDx
Classification: Uncertain significance. Last evaluated: 2023-12-11. Review status: criteria provided, single submitter. Criteria: GeneDx Variant Classification Process June 2021. Collection method: clinical testing. Allele origin: germline. Affected: yes.
Comment: Not observed at significant frequency in large population cohorts (gnomAD); In silico analysis supports that this missense variant has a deleterious effect on protein structure/function; Has not been previously published as pathogenic or benign to our knowledge

NM_006158.5(NEFL):c.610C>T (p.Leu204Phe)

Gene: NEFL (neurofilament light chain; minus strand). Cytogenetic location: 8p21.2.
Variant type: single nucleotide variant.
Coding change: c.610C>T on transcript NM_006158.5 (MANE Select); coding-DNA position 610, C replaced by T.
Protein change: p.Leu204Phe; replaces leucine 204 with phenylalanine.
Molecular consequence: missense variant.
Genome position (GRCh38, 1-based): chr8:24,955,906, G>A on the plus strand (C>T on the coding strand, the complement: NEFL is on the minus strand). VCF-style: chr8-24955906-G-A. GRCh37 (hg19) VCF-style: chr8-24813420-G-A.
Other names: short protein forms L204F.
Identifiers: ClinVar variation 3253098 (VCV003253098.1), dbSNP rs2486886795.
Genomic context (GRCh38, chr8:24,955,906, plus strand): 5'-TCAGAAAAGAGATTTCGTCCATCAAGCTGTCGATGCGCTTCTCGAGCTCGGCGCGAGCGA[G>A]CGCCGCCTCGTCGGCGCCTTTGCGCGCTTCCATCAGCCGGCCCTCGGCGTCCTCGCGGCT-3'
Protein context (NP_006149.2, residues 194-214): EARKGADEAA[Leu204Phe]ARAELEKRID